The following is an entry in ClinVar:

ClinVar aggregate classification (germline): Uncertain significance (1 of 4 stars; one submission).

Conditions:
Hereditary cancer-predisposing syndrome. Also called: Neoplastic Syndromes, Hereditary; Tumor predisposition; Hereditary Cancer Syndrome; Hereditary neoplastic syndrome. Identifiers: Orphanet 140162, MedGen C0027672, MeSH D009386, MONDO:0015356.

Submission:

Ambry Genetics
Classification: Uncertain significance for Hereditary cancer-predisposing syndrome. Last evaluated: 2025-03-29. Review status: criteria provided, single submitter. Criteria: Ambry Variant Classification Scheme 2023. Collection method: clinical testing. Allele origin: germline.
Comment: The c.5178-3C>G intronic variant results from a C to G substitution 3 nucleotides upstream from coding exon 34 in the ATM gene. This nucleotide position is highly conserved in available vertebrate species. In silico splice site analysis predicts that this alteration will weaken the native splice acceptor site. Based on the available evidence, the clinical significance of this variant remains unclear.

NM_000051.4(ATM):c.5178-3C>G

Gene: ATM (ATM serine/threonine kinase; plus strand). Cytogenetic location: 11q22.3.
Variant type: single nucleotide variant.
Coding change: c.5178-3C>G on transcript NM_000051.4 (MANE Select); 3 bases into the intron before coding-DNA position 5178, C replaced by G.
Molecular consequence: intron variant.
Genome position (GRCh38, 1-based): chr11:108,301,645, C>G. VCF-style: chr11-108301645-C-G. GRCh37 (hg19) VCF-style: chr11-108172372-C-G.
Other names: c.5178-3C>G (NM_001351834.2).
Identifiers: ClinVar variation 230425 (VCV000230425.6), dbSNP rs876658558, ClinGen allele CA10579172.